The following is an entry in ClinVar:

ClinVar aggregate classification (germline): Pathogenic. Review status: criteria provided, multiple submitters, no conflicts (2 of 4 stars). 2 submissions from 2 submitters: Pathogenic (2). Last evaluated 2023-08-24.

Submissions (2):

GeneDx
Classification: Pathogenic. Last evaluated: 2023-08-24. Review status: criteria provided, single submitter. Criteria: GeneDx Variant Classification Process June 2021. Collection method: clinical testing. Allele origin: germline. Affected: yes.
Comment: Canonical splice site variant predicted to result in a null allele in a gene for which loss of function is a known mechanism of disease (Wai et al., 2020); Not observed at significant frequency in large population cohorts (gnomAD); This variant is associated with the following publications: (PMID: 33831796, 32123317)

Greenwood Genetic Center Diagnostic Laboratories, Greenwood Genetic Center
Classification: Pathogenic. Last evaluated: 2020-12-15. Review status: criteria provided, single submitter. Criteria: ACMG Guidelines, 2015. Collection method: clinical testing. Allele origin: germline. Affected: yes.
Comment: PVS1, PS2, PM2

NM_002397.5(MEF2C):c.638-2A>G

Gene: MEF2C (myocyte enhancer factor 2C; minus strand). Cytogenetic location: 5q14.3.
Variant type: single nucleotide variant.
Coding change: c.638-2A>G on transcript NM_002397.5 (MANE Select); the canonical splice acceptor site of the intron before coding-DNA position 638, A replaced by G.
Molecular consequence: splice acceptor variant.
Genome position (GRCh38, 1-based): chr5:88,731,903, T>C on the plus strand (A>G on the coding strand, the complement: MEF2C is on the minus strand). VCF-style: chr5-88731903-T-C. GRCh37 (hg19) VCF-style: chr5-88027720-T-C.
Other names: c.638-2A>G (NM_001364329.2, NM_001364330.2, NM_001364333.2 and 18 more transcripts); c.494-2A>G (NM_001364344.2, NM_001364354.2, NM_001364332.2 and 3 more transcripts); c.260-2A>G (NM_001364353.2, NM_001364356.2); c.632-2A>G (NM_001131005.2, NM_001364352.2, NM_001364343.2); c.692-2A>G (NM_001193347.1, NM_001364338.2); c.212-2A>G (NM_001364357.2).
Identifiers: ClinVar variation 1331547 (VCV001331547.5), dbSNP rs1554102556, ClinGen allele CA360423536.